The following is an entry in ClinVar:

ClinVar aggregate classification (germline): Conflicting classifications of pathogenicity. Review status: criteria provided, conflicting classifications (1 of 4 stars). 2 submissions from 2 submitters: Uncertain significance (1); Likely benign (1). Last evaluated 2026-02-01.

gnomAD v4.1: 4 of 1,208,644 alleles (0.00033%); highest among the groups gnomAD compares: African/African-American, 0.0035%; no homozygotes.

Submissions (2):

CeGaT Center for Human Genetics Tuebingen
Classification: Likely benign. Last evaluated: 2026-02-01. Review status: criteria provided, single submitter. Criteria: CeGaT Center For Human Genetics Tuebingen Variant Classification Criteria Version 2. Collection method: clinical testing. Allele origin: germline. Affected: yes. Observed: 1 variant allele.
Comment: SRPX2: BS2

Ambry Genetics
Classification: Uncertain significance. Last evaluated: 2024-08-27. Review status: criteria provided, single submitter. Criteria: Ambry Variant Classification Scheme 2023. Collection method: clinical testing. Allele origin: germline.

NM_014467.3(SRPX2):c.83G>A (p.Gly28Asp)

Gene: SRPX2 (sushi repeat containing protein X-linked 2; plus strand). Cytogenetic location: Xq22.1.
Variant type: single nucleotide variant.
Coding change: c.83G>A on transcript NM_014467.3 (MANE Select); coding-DNA position 83, G replaced by A.
Protein change: p.Gly28Asp; replaces glycine 28 with aspartic acid.
Molecular consequence: missense variant.
Genome position (GRCh38, 1-based): chrX:100,650,785, G>A. VCF-style: chrX-100650785-G-A. GRCh37 (hg19) VCF-style: chrX-99905782-G-A.
Other names: short protein forms G28D.
Identifiers: ClinVar variation 3449485 (VCV003449485.5).
Genomic context (GRCh38, chrX:100,650,785, plus strand): 5'-TTGGGAAGGAATTGAGTGAGAAATCAAGACACCATTTTGATATTGTCTTCCTTATTCTAG[G>A]TTCTGGCTACTATCCGGATGAAAGCTACAATGAAGTATATGCAGAGGAGGTCCCACAGGC-3'
Protein context (NP_055282.1, residues 18-38): TPAVTPTWYA[Gly28Asp]SGYYPDESYN